The following is an entry in ClinVar:

ClinVar aggregate classification (germline): Likely pathogenic (1 of 4 stars; one submission).

Submission:

Laboratorio de Genetica e Diagnostico Molecular, Hospital Israelita Albert Einstein
Classification: Likely pathogenic. Last evaluated: 2020-12-18. Review status: criteria provided, single submitter. Criteria: ACMG Guidelines, 2015. Collection method: clinical testing. Allele origin: germline. Affected: yes.
Comment: ACMG classification criteria: PVS1, PM2

NM_007357.3(COG2):c.48C>A (p.Cys16Ter)

Genes: COG2 (component of oligomeric golgi complex 2; plus strand), LOC129932756 (ATAC-STARR-seq lymphoblastoid active region 2719; plus strand). Cytogenetic location: 1q42.2.
Variant type: single nucleotide variant.
Coding change: c.48C>A on transcript NM_007357.3 (MANE Select); coding-DNA position 48, C replaced by A.
Protein change: p.Cys16Ter; replaces cysteine 16 with a stop codon.
Molecular consequence: nonsense.
Genome position (GRCh38, 1-based): chr1:230,642,654, C>A. VCF-style: chr1-230642654-C-A. GRCh37 (hg19) VCF-style: chr1-230778400-C-A.
Other names: c.48C>A, p.Cys16Ter (NM_001145036.2); short protein forms C16*.
Identifiers: ClinVar variation 1691000 (VCV001691000.2), dbSNP rs2102736333, ClinGen allele CA345197167.